The following is an entry in ClinVar:

ClinVar aggregate classification (germline): Uncertain significance (1 of 4 stars; one submission).

Conditions:
Vici syndrome (VICIS). Identifiers: Orphanet 1493, MedGen C1855772, MONDO:0009452, OMIM 242840.

Submission:

Labcorp Genetics (formerly Invitae), Labcorp
Classification: Uncertain significance for Vici syndrome. Last evaluated: 2024-11-22. Review status: criteria provided, single submitter. Criteria: Invitae Variant Classification Sherloc (09022015). Collection method: clinical testing. Allele origin: germline.
Comment: This sequence change replaces valine, which is neutral and non-polar, with leucine, which is neutral and non-polar, at codon 640 of the EPG5 protein (p.Val640Leu). This variant is not present in population databases (gnomAD no frequency). This variant has not been reported in the literature in individuals affected with EPG5-related conditions. Invitae Evidence Modeling of protein sequence and biophysical properties (such as structural, functional, and spatial information, amino acid conservation, physicochemical variation, residue mobility, and thermodynamic stability) indicates that this missense variant is expected to disrupt EPG5 protein function with a positive predictive value of 80%. In summary, the available evidence is currently insufficient to determine the role of this variant in disease. Therefore, it has been classified as a Variant of Uncertain Significance.

NM_020964.3(EPG5):c.1918G>T (p.Val640Leu)

Gene: EPG5 (ectopic P-granules 5 autophagy tethering factor; minus strand). Cytogenetic location: 18q21.1.
Variant type: single nucleotide variant.
Coding change: c.1918G>T on transcript NM_020964.3 (MANE Select); coding-DNA position 1918, G replaced by T.
Protein change: p.Val640Leu; replaces valine 640 with leucine.
Molecular consequence: missense variant.
Genome position (GRCh38, 1-based): chr18:45,943,186, C>A on the plus strand (G>T on the coding strand, the complement: EPG5 is on the minus strand). VCF-style: chr18-45943186-C-A. GRCh37 (hg19) VCF-style: chr18-43523152-C-A.
Other names: c.1918G>T, p.Val640Leu (NM_001410858.1, NM_001410859.1); short protein forms V640L.
Identifiers: ClinVar variation 3699510 (VCV003699510.2).
Genomic context (GRCh38, chr18:45,943,186, plus strand): 5'-AGGAACAGAGAAGGGTAGAGCAACAGCAGTATTACCTGATCATATAACCAATTCGCTTCA[C>A]AAACTGCCTATAGCGTGCTCTATTAAAGGTTTCTAACCCCACAGCCAGAAGTTCCACTAG-3'
Protein context (NP_066015.2, residues 630-650): TFNRARYRQF[Val640Leu]KRIGYMIRMT